The following is an entry in ClinVar:

ClinVar aggregate classification (germline): Benign. Review status: criteria provided, single submitter (1 of 4 stars). 2 submissions from 2 submitters: Benign (1). 1 of the submissions does not count toward it. Last evaluated 2018-01-12.

Conditions:
KRT13-related disorder. Also called: KRT13-related condition.
White sponge nevus 2 (WSN2). Identifiers: MedGen C4014321, MONDO:0014346, OMIM 615785.

Allele frequency attached by ClinVar (database versions not stated): TOPMed 0.00006; ESP Exome Variant Server 0.00008; 1000 Genomes Project 30x 0.00031; 1000 Genomes Project 0.00040; gnomAD 0.00076 and 0.00078.
gnomAD v4.1: 770 of 1,614,182 alleles (0.048%); highest among the groups gnomAD compares: Middle Eastern, 0.016%; 4 homozygotes.

Submissions (2):

Illumina Laboratory Services, Illumina
Classification: Benign for White sponge nevus 2. Last evaluated: 2018-01-12. Review status: criteria provided, single submitter. Criteria: ICSL Variant Classification Criteria 13 December 2019. Collection method: clinical testing. Allele origin: germline.
Comment: This variant was observed in the ICSL laboratory as part of a predisposition screen in an ostensibly healthy population. It had not been previously curated by ICSL or reported in the Human Gene Mutation Database (HGMD: prior to June 1st, 2018), and was therefore a candidate for classification through an automated scoring system. Utilizing variant allele frequency, disease prevalence and penetrance estimates, and inheritance mode, an automated score was calculated to assess if this variant is too frequent to cause the disease. Based on the score and internal cut-off values, a variant classified as benign is not then subjected to further curation. The score for this variant resulted in a classification of benign for this disease.

PreventionGenetics, part of Exact Sciences
Classification: Benign for KRT13-related condition. Last evaluated: 2019-05-03. Review status: no assertion criteria provided. Collection method: clinical testing. Allele origin: germline. Not counted in ClinVar's aggregate classification.
Comment: This variant is classified as benign based on ACMG/AMP sequence variant interpretation guidelines (Richards et al. 2015 PMID: 25741868, with internal and published modifications).

NM_153490.3(KRT13):c.409C>T (p.Arg137Cys)

Gene: KRT13 (keratin 13; minus strand). Cytogenetic location: 17q21.2.
Variant type: single nucleotide variant.
Coding change: c.409C>T on transcript NM_153490.3 (MANE Select); coding-DNA position 409, C replaced by T.
Protein change: p.Arg137Cys; replaces arginine 137 with cysteine.
Molecular consequence: missense variant.
Genome position (GRCh38, 1-based): chr17:41,505,142, G>A on the plus strand (C>T on the coding strand, the complement: KRT13 is on the minus strand). VCF-style: chr17-41505142-G-A. GRCh37 (hg19) VCF-style: chr17-39661394-G-A.
Other names: c.409C>T, p.Arg137Cys (NM_002274.4); short protein forms R137C.
Identifiers: ClinVar variation 323103 (VCV000323103.7), dbSNP rs142183272, ClinGen allele CA8560799.
Genomic context (GRCh38, chr17:41,505,142, plus strand): 5'-TGTAGTAGGGGCTGTAGTCCCGCTCAGGGCTAGCTGGGCTCTGCTTCAGGTGCCAGTCAC[G>A]GATCTTCACCTCCAGGTCAGCGTTGGCCTCCTCCAGGGCGCGCACCTTCTCCAGGTAGGA-3'
Protein context (NP_705694.3, residues 127-147): EANADLEVKI[Arg137Cys]DWHLKQSPAS